The following is an entry in ClinVar:

NM_004329.3(BMPR1A):c.1037A>G (p.His346Arg)

Gene: BMPR1A (bone morphogenetic protein receptor type 1A; plus strand). Cytogenetic location: 10q23.2.
Variant type: single nucleotide variant.
Coding change: c.1037A>G on transcript NM_004329.3 (MANE Select); coding-DNA position 1037, A replaced by G.
Protein change: p.His346Arg; replaces histidine 346 with arginine.
Molecular consequence: missense variant.
Genome position (GRCh38, 1-based): chr10:86,919,340, A>G. VCF-style: chr10-86919340-A-G. GRCh37 (hg19) VCF-style: chr10-88679097-A-G.
Other names: short protein forms H346R.
Identifiers: ClinVar variation 142548 (VCV000142548.5), dbSNP rs587782536, ClinGen allele CA168682.
Genomic context (GRCh38, chr10:86,919,340, plus strand): 5'-TGGACACCAGAGCCCTGCTTAAATTGGCTTATTCAGCTGCCTGTGGTCTGTGCCACCTGC[A>G]CACAGAAATTTATGGCACCCAAGGAAAGCCCGCAATTGCTCATCGAGACCTAAAGAGCAA-3'
Protein context (NP_004320.2, residues 336-356): YSAACGLCHL[His346Arg]TEIYGTQGKP

ClinVar aggregate classification (germline): Likely pathogenic (1 of 4 stars; one submission).

Conditions:
Hereditary cancer-predisposing syndrome. Also called: Hereditary Cancer Syndrome; Neoplastic Syndromes, Hereditary; Hereditary neoplastic syndrome; Tumor predisposition. Identifiers: Orphanet 140162, MedGen C0027672, MeSH D009386, MONDO:0015356.

Submission:

Ambry Genetics
Classification: Likely pathogenic for Hereditary cancer-predisposing syndrome. Last evaluated: 2021-08-04. Review status: criteria provided, single submitter. Criteria: Ambry Variant Classification Scheme 2023. Collection method: clinical testing. Allele origin: germline.
Comment: The p.H346R variant (also known as c.1037A>G), located in coding exon 8 of the BMPR1A gene, results from an A to G substitution at nucleotide position 1037. The histidine at codon 346 is replaced by arginine, an amino acid with highly similar properties. Based on internal structural analysis using published crystal structures, H346R is structurally deleterious (Islam MJ et al. Comput Biol Chem, 2019 Jun;80:31-45; Ambry internal data). This variant is considered to be rare based on population cohorts in the Genome Aggregation Database (gnomAD). This missense alteration is located in a region that has a low rate of benign missense variation (Lek M et al. Nature. 2016 Aug 18;536(7616):285-91; DECIPHER: Database of Chromosomal Imbalance and Phenotype in Humans using Ensembl Resources. Firth H.V. et al. 2009. Am.J.Hum.Genet. 84, 524-533 (DOI)). This amino acid position is highly conserved in available vertebrate species. In addition, this alteration is predicted to be deleterious by in silico analysis. Based on the majority of available evidence to date, this variant is likely to be pathogenic.

Literature cited by the submitters: PubMed 30884445.